The following is an entry in ClinVar:

ClinVar aggregate classification (germline): Uncertain significance (1 of 4 stars; one submission).

Conditions:
Inborn genetic diseases. Identifiers: MedGen C0950123, MeSH D030342.

gnomAD v4.1: 1 of 1,614,208 alleles (0.000062%); highest among the groups gnomAD compares: Non-Finnish European, 0.000085%; no homozygotes.

Submission:

Ambry Genetics
Classification: Uncertain significance for Inborn genetic diseases. Last evaluated: 2026-07-07. Review status: criteria provided, single submitter. Criteria: Ambry Variant Classification Scheme 2023. Collection method: clinical testing. Allele origin: germline.
Comment: The p.R127G variant (also known as c.379C>G), located in coding exon 4 of the ETV6 gene, results from a C to G substitution at nucleotide position 379. The arginine at codon 127 is replaced by glycine, an amino acid with dissimilar properties. This amino acid position is conserved. In addition, the in silico prediction for this alteration is inconclusive. Based on the available evidence, the clinical significance of this variant remains unclear.

NM_001987.5(ETV6):c.379C>G (p.Arg127Gly)

Gene: ETV6 (ETS variant transcription factor 6; plus strand). Cytogenetic location: 12p13.2.
Variant type: single nucleotide variant.
Coding change: c.379C>G on transcript NM_001987.5 (MANE Select); coding-DNA position 379, C replaced by G.
Protein change: p.Arg127Gly; replaces arginine 127 with glycine.
Molecular consequence: missense variant.
Genome position (GRCh38, 1-based): chr12:11,853,477, C>G. VCF-style: chr12-11853477-C-G. GRCh37 (hg19) VCF-style: chr12-12006411-C-G.
Other names: c.379C>G, p.Arg127Gly (NM_001413916.1, NM_001413917.1); c.376C>G, p.Arg126Gly (NM_001413913.1); c.352C>G, p.Arg118Gly (NM_001413914.1); c.115C>G, p.Arg39Gly (NM_001413915.1); short protein forms R118G, R126G, R127G, R39G.
Identifiers: ClinVar variation 5036189 (VCV005036189.1).